The following is an entry in ClinVar:

ClinVar aggregate classification (germline): Pathogenic (1 of 4 stars; one submission).

Conditions:
Inborn genetic diseases. Identifiers: MedGen C0950123, MeSH D030342.

Submission:

Ambry Genetics
Classification: Pathogenic for Inborn genetic diseases. Last evaluated: 2024-10-07. Review status: criteria provided, single submitter. Criteria: Ambry Variant Classification Scheme 2023. Collection method: clinical testing. Allele origin: germline.
Comment: The c.1393_1420del28insCAA (p.V465Qfs*111) alteration, located in exon 8 (coding exon 7) of the BRD4 gene, consists of a deletion of 28 and insertion of 3 nucleotides causing a translational frameshift at position 1393 with a predicted alternate stop codon after 111 amino acids. This alteration is expected to result in loss of function by premature protein truncation or nonsense-mediated mRNA decay. This variant was not reported in population-based cohorts in the Genome Aggregation Database (gnomAD). Based on the available evidence, this alteration is classified as pathogenic.

NM_001379291.1(BRD4):c.1393_1420delinsCAA (p.Val465fs)

Gene: BRD4 (bromodomain containing 4; minus strand). Cytogenetic location: 19p13.12.
Variant type: Indel.
Coding change: c.1393_1420delinsCAA on transcript NM_001379291.1 (MANE Select); coding-DNA positions 1393 to 1420, GTGGTGGCCGTGTCCTCCCCGGCAGTGC replaced by CAA.
Protein change: p.Val465fs; shifts the reading frame from valine 465.
Molecular consequence: frameshift variant.
Genome position (GRCh38, 1-based): chr19:15,257,095-15,257,122, GCACTGCCGGGGAGGACACGGCCACCAC replaced by TTG on the plus strand (GTGGTGGCCGTGTCCTCCCCGGCAGTGC replaced by CAA on the coding strand, the reverse complement: BRD4 is on the minus strand). VCF-style: chr19-15257095-GCACTGCCGGGGAGGACACGGCCACCAC-TTG. GRCh37 (hg19) VCF-style: chr19-15367906-GCACTGCCGGGGAGGACACGGCCACCAC-TTG.
Other names: c.1393_1420delinsCAA, p.Val465fs (NM_001330384.2, NM_001379292.1, NM_014299.3 and 1 more transcripts); short protein forms V465fs.
Identifiers: ClinVar variation 3482296 (VCV003482296.1).